The following is an entry in ClinVar:

NM_001037.5(SCN1B):c.448+303del

Gene: SCN1B (sodium voltage-gated channel beta subunit 1; plus strand). Cytogenetic location: 19q13.11.
Variant type: Deletion.
Coding change: c.448+303del on transcript NM_001037.5 (MANE Select); 303 bases into the intron after coding-DNA position 448, one base deleted (G; older notation c.448+303delG).
Molecular consequence: intron variant. On other transcripts: frameshift variant (1).
Genome position (GRCh38, 1-based): chr19:35,034,042, G deleted; the last of 3 consecutive G bases (chr19:35,034,040-35,034,042); deleting any one gives the same sequence. VCF-style (leftmost placement, unchanged base first): chr19-35034039-AG-A. GRCh37 (hg19) VCF-style: chr19-35524943-AG-A.
Other names: c.751del, p.Val251fs (NM_199037.5); c.349+303del (NM_001321605.2); short protein forms V251fs.
Identifiers: ClinVar variation 3718588 (VCV003718588.2).

ClinVar aggregate classification (germline): Uncertain significance (1 of 4 stars; one submission).

Conditions:
Brugada syndrome 5 (BRGDA5). Identifiers: Orphanet 130, Orphanet 871, MedGen C2748541, MONDO:0013015, OMIM 612838.

Submission:

Labcorp Genetics (formerly Invitae), Labcorp
Classification: Uncertain significance for Brugada syndrome 5. Last evaluated: 2024-11-28. Review status: criteria provided, single submitter. Criteria: Invitae Variant Classification Sherloc (09022015). Collection method: clinical testing. Allele origin: germline.
Comment: This sequence change creates a premature translational stop signal (p.Val251Leufs*8) in the SCN1B gene. While this is not anticipated to result in nonsense mediated decay, it is expected to disrupt the last 18 amino acid(s) of the SCN1B protein. This variant is not present in population databases (gnomAD no frequency). This variant has not been reported in the literature in individuals affected with SCN1B-related conditions. Experimental studies and prediction algorithms are not available or were not evaluated, and the functional significance of this variant is currently unknown. In summary, the available evidence is currently insufficient to determine the role of this variant in disease. Therefore, it has been classified as a Variant of Uncertain Significance.